The following is an entry in ClinVar:

ClinVar aggregate classification (germline): Uncertain significance (1 of 4 stars; one submission).

Conditions:
Mitochondrial DNA depletion syndrome 13. Also called: FBXL4-Related Encephalomyopathic Mitochondrial DNA Depletion Syndrome; Mitochondrial DNA depletion syndrome 13 (encephalomyopathic type). Identifiers: Orphanet 369897, MedGen C3809592, MONDO:0014198, OMIM 615471.

Allele frequency attached by ClinVar (database versions not stated): TOPMed below 0.00001; ExAC 0.00002; gnomAD 0.00002.
gnomAD v4.1: 3 of 1,613,938 alleles (0.00019%); highest among the groups gnomAD compares: African/African-American, 0.0027%; no homozygotes.

Submission:

Wong Mito Lab, Molecular and Human Genetics, Baylor College of Medicine
Classification: Uncertain significance for Mitochondrial DNA depletion syndrome 13. Last evaluated: 2017-08-10. Review status: criteria provided, single submitter. Criteria: ACMG Guidelines, 2015. Collection method: reference population. Allele origin: germline.
Comment: The NM_012160.4:c.1567G>A (NP_036292.2:p.Gly523Arg) [GRCH38: NC_000006.12:g.98875550C>T] variant in FBXL4 gene is interpretated to be a Uncertain Significance - Insufficient Evidence based on ACMG guidelines (PMID: 25741868). This variant meets one or more of the following evidence codes reported in the ACMG-guideline. PM2:This variant is absent in key population databases. PP3:Computational evidence/predictors indicate the variant has deleterious effect on FBXL4 structure, function, or protein-protein interaction. Based on this evidence code ClinGen Pathogenicity Calculator (PMID:28081714) suggested that the variant is Uncertain Significance - Insufficient Evidence.

NM_001278716.2(FBXL4):c.1567G>A (p.Gly523Arg)

Gene: FBXL4 (F-box and leucine rich repeat protein 4; minus strand). Cytogenetic location: 6q16.1.
Variant type: single nucleotide variant.
Coding change: c.1567G>A on transcript NM_001278716.2 (MANE Select); coding-DNA position 1567, G replaced by A.
Protein change: p.Gly523Arg; replaces glycine 523 with arginine.
Molecular consequence: missense variant. On other transcripts: non-coding transcript variant (1).
Genome position (GRCh38, 1-based): chr6:98,875,550, C>T on the plus strand (G>A on the coding strand, the complement: FBXL4 is on the minus strand). VCF-style: chr6-98875550-C-T. GRCh37 (hg19) VCF-style: chr6-99323426-C-T.
Other names: c.1567G>A, p.Gly523Arg (NM_012160.5); short protein forms G523R.
Identifiers: ClinVar variation 437773 (VCV000437773.1), dbSNP rs759480340, ClinGen allele CA3933421.